The following is an entry in ClinVar:

NM_001267550.2(TTN):c.7946A>G (p.Lys2649Arg)

Gene: TTN (titin; minus strand). Cytogenetic location: 2q31.2.
Variant type: single nucleotide variant.
Coding change: c.7946A>G on transcript NM_001267550.2 (MANE Select); coding-DNA position 7946, A replaced by G.
Protein change: p.Lys2649Arg; replaces lysine 2649 with arginine.
Molecular consequence: missense variant.
Genome position (GRCh38, 1-based): chr2:178,771,381, T>C on the plus strand (A>G on the coding strand, the complement: TTN is on the minus strand). VCF-style: chr2-178771381-T-C. GRCh37 (hg19) VCF-style: chr2-179636108-T-C.
Other names: c.7946A>G, p.Lys2649Arg (NM_001256850.1, NM_133378.4, NM_133379.5); c.7808A>G, p.Lys2603Arg (NM_003319.4, NM_133432.3, NM_133437.4); c.7946A>G (NM_001267550.1); short protein forms K2649R, K2603R.
Identifiers: ClinVar variation 502232 (VCV000502232.7), dbSNP rs745433704, ClinGen allele CA2004710.

ClinVar aggregate classification (germline): Uncertain significance. Review status: criteria provided, multiple submitters, no conflicts (2 of 4 stars). 3 submissions from 3 submitters: Uncertain significance (3). Last evaluated 2022-03-28.

Conditions:
Dilated cardiomyopathy 1G (CMD1G). Identifiers: Orphanet 154, MedGen C1858763, MONDO:0011400, OMIM 604145.

Allele frequency attached by ClinVar (database versions not stated): gnomAD exomes below 0.00001 and 0.00001; ExAC 0.00001.
gnomAD v4.1: 7 of 1,614,036 alleles (0.00043%); highest among the groups gnomAD compares: East Asian, 0.0045%; no homozygotes.

Submissions (3):

Women's Health and Genetics/Laboratory Corporation of America, LabCorp
Classification: Uncertain significance. Last evaluated: 2022-03-28. Review status: criteria provided, single submitter. Criteria: LabCorp Variant Classification Summary - May 2015. Collection method: clinical testing. Allele origin: germline.

Victorian Clinical Genetics Services, Murdoch Childrens Research Institute
Classification: Uncertain significance for Dilated cardiomyopathy 1G. Last evaluated: 2019-08-28. Review status: criteria provided, single submitter. Criteria: ACMG Guidelines, 2015. Collection method: clinical testing. Allele origin: germline.
Comment: A heterozygous missense variant was identified, NM_001267550.1(TTN):c.7946A>G in exon 34 of 363 of the TTN gene. This substitution is predicted to create a minor amino acid change from lysine to arginine at position 2649 of the protein, NP_001254479.1(TTN):p.(Lys2649Arg). The lysine at this position has low conservation (100 vertebrates, UCSC), and is located within the Ig-like domain. In silico software predictions of the pathogenicity of this variant are conflicting (Polyphen, CADD, Mutation Taster). The variant is present in the gnomAD population database at a frequency of 0.0004% (1 heterozygote, 0 homozygotes). An alternative residue change at the same location has been reported in the gnomAD database at a frequency of 0.0004%. The variant has been previously reported as a VUS in clinical cases (ClinVar, LOVD). Based on information available at the time of curation, this variant has been classified as a VARIANT of UNCERTAIN SIGNIFICANCE (VUS) with LOW CLINICAL RELEVANCE.

Eurofins Ntd Llc (ga)
Classification: Uncertain significance. Last evaluated: 2017-05-25. Review status: criteria provided, single submitter. Criteria: EGL Classification Definitions 2015. Collection method: clinical testing. Allele origin: germline. Observed: 1 variant allele, 1 heterozygote.